The following is an entry in ClinVar:

ClinVar aggregate classification (germline): Conflicting classifications of pathogenicity. Review status: criteria provided, conflicting classifications (1 of 4 stars). 4 submissions from 4 submitters: Uncertain significance (1); Likely benign (3). Last evaluated 2025-04-18.

Conditions:
Retinal dystrophy. Also called: Inherited retinal dystrophy. Identifiers: Orphanet 71862, MedGen C0854723, MeSH D058499, MONDO:0019118, HP:0000556.
PRPF31-related disorder. Also called: PRPF31-related condition.

Allele frequency attached by ClinVar (database versions not stated): gnomAD 0.00002.
gnomAD v4.1: 35 of 1,561,374 alleles (0.0022%); highest among the groups gnomAD compares: South Asian, 0.0035%; no homozygotes.

Submissions (4):

PreventionGenetics, part of Exact Sciences
Classification: Likely benign for PRPF31-related condition. Last evaluated: 2025-04-18. Review status: criteria provided, single submitter. Criteria: ACMG Guidelines, 2015. Collection method: clinical testing. Allele origin: germline.
Comment: This variant is classified as likely benign based on ACMG/AMP sequence variant interpretation guidelines (Richards et al. 2015 PMID: 25741868, with internal and published modifications).

Blueprint Genetics
Classification: Likely benign. Last evaluated: 2024-10-31. Review status: criteria provided, single submitter. Criteria: ACMG Guidelines, 2015. Collection method: clinical testing. Allele origin: germline.

Labcorp Genetics (formerly Invitae), Labcorp
Classification: Likely benign. Last evaluated: 2024-02-17. Review status: criteria provided, single submitter. Criteria: Invitae Variant Classification Sherloc (09022015). Collection method: clinical testing. Allele origin: germline.

Dept Of Ophthalmology, Nagoya University
Classification: Uncertain significance for Retinal dystrophy. Last evaluated: 2023-10-01. Review status: criteria provided, single submitter. Criteria: Submitter's publication. Collection method: research. Allele origin: germline. Affected: yes.

NM_015629.4(PRPF31):c.1026G>A (p.Pro342=)

Gene: PRPF31 (pre-mRNA processing factor 31; plus strand). Cytogenetic location: 19q13.42.
Variant type: single nucleotide variant.
Coding change: c.1026G>A on transcript NM_015629.4 (MANE Select); coding-DNA position 1026, G replaced by A.
Protein change: p.Pro342=; no amino-acid change (proline 342 retained).
Molecular consequence: synonymous variant.
Genome position (GRCh38, 1-based): chr19:54,128,153, G>A. VCF-style: chr19-54128153-G-A. GRCh37 (hg19) VCF-style: chr19-54631528-G-A.
Other names: c.1026G>A (NM_015629.3).
Identifiers: ClinVar variation 1657029 (VCV001657029.11), dbSNP rs760509641, ClinGen allele CA309329292.